The following is an entry in ClinVar:

ClinVar aggregate classification (germline): drug response (0 of 4 stars; one submission).

Conditions:
Thiopurine response. Identifiers: MedGen CN971394.

Allele frequency attached by ClinVar (database versions not stated): gnomAD exomes 0.00001; TOPMed 0.00001; gnomAD 0.00003 and 0.00004.
gnomAD v4.1: 23 of 1,613,896 alleles (0.0014%); highest among the groups gnomAD compares: Non-Finnish European, 0.0019%; 1 homozygote.

Submission:

Division of Drug Research, Linkoping University
Classification: drug response for Thiopurine response. Last evaluated: 2015-03-01. Review status: no assertion criteria provided. Collection method: clinical testing. Allele origin: germline. Affected: yes. Observed: 1 variant allele.

NM_000367.5(TPMT):c.234G>T (p.Trp78Cys)

Gene: TPMT (thiopurine S-methyltransferase; minus strand). Cytogenetic location: 6p22.3.
Variant type: single nucleotide variant.
Coding change: c.234G>T on transcript NM_000367.5 (MANE Select); coding-DNA position 234, G replaced by T.
Protein change: p.Trp78Cys; replaces tryptophan 78 with cysteine.
Molecular consequence: missense variant.
Genome position (GRCh38, 1-based): chr6:18,143,728, C>A on the plus strand (G>T on the coding strand, the complement: TPMT is on the minus strand). VCF-style: chr6-18143728-C-A. GRCh37 (hg19) VCF-style: chr6-18143959-C-A.
Other names: c.234G>T, p.Trp78Cys (NM_001346817.1, NM_001346818.1); short protein forms W78C.
Identifiers: ClinVar variation 625173 (VCV000625173.4), dbSNP rs1256618794, ClinGen allele CA362838562.